The following is an entry in ClinVar:

ClinVar aggregate classification (germline): Conflicting classifications of pathogenicity. Review status: criteria provided, conflicting classifications (1 of 4 stars). 2 submissions from 2 submitters: Uncertain significance (1); Likely benign (1). Last evaluated 2026-07-01.

Conditions:
Schuurs-Hoeijmakers syndrome. Also called: PACS1-Related Neurodevelopmental Disorder. Identifiers: Orphanet 329224, MedGen C3554343, MONDO:0014006, OMIM 615009.

gnomAD v4.1: 12 of 1,610,350 alleles (0.00075%); highest among the groups gnomAD compares: South Asian, 0.0033%; no homozygotes.

Submissions (2):

CeGaT Center for Human Genetics Tuebingen
Classification: Likely benign. Last evaluated: 2026-07-01. Review status: criteria provided, single submitter. Criteria: CeGaT Center For Human Genetics Tuebingen Variant Classification Criteria Version 2. Collection method: clinical testing. Allele origin: germline. Affected: yes. Observed: 1 variant allele.
Comment: PACS1: BS2

Labcorp Genetics (formerly Invitae), Labcorp
Classification: Uncertain significance for Schuurs-Hoeijmakers syndrome. Last evaluated: 2025-09-15. Review status: criteria provided, single submitter. Criteria: Invitae Variant Classification Sherloc (09022015). Collection method: clinical testing. Allele origin: germline.
Comment: This sequence change replaces alanine, which is neutral and non-polar, with threonine, which is neutral and polar, at codon 605 of the PACS1 protein (p.Ala605Thr). The frequency data for this variant in the population databases is considered unreliable, as metrics indicate poor data quality at this position in the gnomAD database. This variant has not been reported in the literature in individuals affected with PACS1-related conditions. ClinVar contains an entry for this variant (Variation ID: 3716202). Invitae Evidence Modeling of protein sequence and biophysical properties (such as structural, functional, and spatial information, amino acid conservation, physicochemical variation, residue mobility, and thermodynamic stability) indicates that this missense variant is not expected to disrupt PACS1 protein function with a negative predictive value of 80%. In summary, the available evidence is currently insufficient to determine the role of this variant in disease. Therefore, it has been classified as a Variant of Uncertain Significance.

NM_018026.4(PACS1):c.1813G>A (p.Ala605Thr)

Gene: PACS1 (phosphofurin acidic cluster sorting protein 1; plus strand). Cytogenetic location: 11q13.2.
Variant type: single nucleotide variant.
Coding change: c.1813G>A on transcript NM_018026.4 (MANE Select); coding-DNA position 1813, G replaced by A.
Protein change: p.Ala605Thr; replaces alanine 605 with threonine.
Molecular consequence: missense variant.
Genome position (GRCh38, 1-based): chr11:66,233,041, G>A. VCF-style: chr11-66233041-G-A. GRCh37 (hg19) VCF-style: chr11-66000512-G-A.
Other names: short protein forms A605T.
Identifiers: ClinVar variation 3716202 (VCV003716202.3).